The following is an entry in ClinVar:

NM_005909.5(MAP1B):c.5026G>A (p.Val1676Met)

Gene: MAP1B (microtubule associated protein 1B; plus strand). Cytogenetic location: 5q13.2.
Variant type: single nucleotide variant.
Coding change: c.5026G>A on transcript NM_005909.5 (MANE Select); coding-DNA position 5026, G replaced by A.
Protein change: p.Val1676Met; replaces valine 1676 with methionine.
Molecular consequence: missense variant.
Genome position (GRCh38, 1-based): chr5:72,198,381, G>A. VCF-style: chr5-72198381-G-A. GRCh37 (hg19) VCF-style: chr5-71494208-G-A.
Other names: c.4648G>A, p.Val1550Met (NM_001324255.2); short protein forms V1550M, V1676M.
Identifiers: ClinVar variation 710323 (VCV000710323.34), dbSNP rs149740474, ClinGen allele CA3299245.

ClinVar aggregate classification (germline): Benign/Likely benign. Review status: criteria provided, multiple submitters, no conflicts (2 of 4 stars). 4 submissions from 4 submitters: Benign (2); Likely benign (2). Last evaluated 2026-09-01.

Conditions:
MAP1B-related disorder. Also called: MAP1B-related condition.

Allele frequency attached by ClinVar (database versions not stated): 1000 Genomes Project 0.00300; 1000 Genomes Project 30x 0.00344; ExAC 0.00457; gnomAD exomes 0.00507 and 0.00662; gnomAD 0.00519 and 0.00524; TOPMed 0.00552; ESP Exome Variant Server 0.00700.
gnomAD v4.1: 10,396 of 1,614,114 alleles (0.64%); highest among the groups gnomAD compares: Non-Finnish European, 0.78%; 45 homozygotes.

Submissions (4):

CeGaT Center for Human Genetics Tuebingen
Classification: Benign. Last evaluated: 2026-09-01. Review status: criteria provided, single submitter. Criteria: CeGaT Center For Human Genetics Tuebingen Variant Classification Criteria Version 2. Collection method: clinical testing. Allele origin: germline. Affected: yes. Observed: 26 variant alleles.
Comment: MAP1B: BP4, BS1, BS2

PreventionGenetics, part of Exact Sciences
Classification: Benign for MAP1B-related condition. Last evaluated: 2026-05-29. Review status: criteria provided, single submitter. Criteria: ACMG Guidelines, 2015. Collection method: clinical testing. Allele origin: germline.
Comment: This variant is classified as benign based on ACMG/AMP sequence variant interpretation guidelines (Richards et al. 2015 PMID: 25741868, with internal and published modifications).

Labcorp Genetics (formerly Invitae), Labcorp
Classification: Likely benign. Last evaluated: 2019-12-31. Review status: criteria provided, single submitter. Criteria: Invitae Variant Classification Sherloc (09022015). Collection method: clinical testing. Allele origin: germline.

Breakthrough Genomics
Classification: Likely benign. Review status: criteria provided, single submitter. Criteria: ACMG Guidelines, 2015. Collection method: not provided. Allele origin: germline. Inheritance: Autosomal dominant inheritance. Affected: yes.